The following is an entry in ClinVar:

ClinVar aggregate classification (germline): Pathogenic (1 of 4 stars; one submission).

Conditions:
Familial thoracic aortic aneurysm and aortic dissection (TAAD). Also called: Thoracic aortic aneurysms and dissections. Identifiers: Orphanet 91387, MedGen C4707243, MONDO:0019625.

Submission:

Ambry Genetics
Classification: Pathogenic for Familial thoracic aortic aneurysm and aortic dissection. Last evaluated: 2016-01-22. Review status: criteria provided, single submitter. Criteria: Ambry Variant Classification Scheme 2023. Collection method: clinical testing. Allele origin: germline.
Comment: The c.6646_6650delCTCTG pathogenic mutation, located in coding exon 54 of the FBN1 gene, results from a deletion of 5 nucleotides at positions 6646 to 6650, causing a translational frameshift with a predicted alternate stop codon (p.L2216Cfs*12). In addition to the clinical data presented in the literature, since frameshifts are typically deleterious in nature, this alteration is interpreted as a disease-causing mutation (ACMG Recommendations for Standards for Interpretation and Reporting of Sequence Variations. Revision 2007. Genet Med. 2008;10:294).

Literature cited by the submitters: PubMed 16222657.

NM_000138.5(FBN1):c.6646_6650del (p.Leu2216fs)

Gene: FBN1 (fibrillin 1; minus strand). Cytogenetic location: 15q21.1.
Variant type: Microsatellite.
Coding change: c.6646_6650del on transcript NM_000138.5 (MANE Select); coding-DNA positions 6646 to 6650, 5 bases deleted (CTCTG; older notation c.6646_6650delCTCTG).
Protein change: p.Leu2216fs; shifts the reading frame from leucine 2216.
Molecular consequence: frameshift variant.
Genome position (GRCh38, 1-based): chr15:48,432,955-48,432,959, CAGAG deleted on the plus strand (CTCTG on the coding strand, the reverse complement: FBN1 is on the minus strand); deleting any 5 consecutive bases within chr15:48,432,955-48,432,964 gives the same sequence; the c. name uses the placement nearest the transcript's 3' end. VCF-style (leftmost placement, unchanged base first): chr15-48432954-ACAGAG-A. GRCh37 (hg19) VCF-style: chr15-48725151-ACAGAG-A.
Other names: c.6646_6650delCTCTG (NM_000138.4); short protein forms L2216fs.
Identifiers: ClinVar variation 519694 (VCV000519694.5), dbSNP rs1555394927, ClinGen allele CA658798048.
Genomic context (GRCh38, chr15:48,432,954, plus strand): 5'-CACATATCCCACGGGACATTTGCATTCATATGACCCATAAGTGTTCACACATCGGAAGGC[ACAGAG>A]CAGAGGATTCTGGGCACATTCATTTATATCTGCAGCAGAGGAGAGTAAGTAAATAAGGGA-3'